The following is an entry in ClinVar:

ClinVar aggregate classification (germline): Uncertain significance (1 of 4 stars; one submission).

Conditions:
Inborn genetic diseases. Identifiers: MedGen C0950123, MeSH D030342.

Submission:

Ambry Genetics
Classification: Uncertain significance for Inborn genetic diseases. Last evaluated: 2024-12-20. Review status: criteria provided, single submitter. Criteria: Ambry Variant Classification Scheme 2023. Collection method: clinical testing. Allele origin: germline.
Comment: The p.E299G variant (also known as c.896A>G), located in coding exon 7 of the FANCG gene, results from an A to G substitution at nucleotide position 896. The glutamic acid at codon 299 is replaced by glycine, an amino acid with similar properties. This amino acid position is conserved. In addition, the in silico prediction for this alteration is inconclusive. Based on the available evidence, the clinical significance of this variant remains unclear.

NM_004629.2(FANCG):c.896A>G (p.Glu299Gly)

Gene: FANCG (FA complementation group G; minus strand). Cytogenetic location: 9p13.3.
Variant type: single nucleotide variant.
Coding change: c.896A>G on transcript NM_004629.2 (MANE Select); coding-DNA position 896, A replaced by G.
Protein change: p.Glu299Gly; replaces glutamic acid 299 with glycine.
Molecular consequence: missense variant.
Genome position (GRCh38, 1-based): chr9:35,076,752, T>C on the plus strand (A>G on the coding strand, the complement: FANCG is on the minus strand). VCF-style: chr9-35076752-T-C. GRCh37 (hg19) VCF-style: chr9-35076749-T-C.
Other names: short protein forms E299G.
Identifiers: ClinVar variation 3848378 (VCV003848378.1).
Genomic context (GRCh38, chr9:35,076,752, plus strand): 5'-CCACCCCACATCTTCACCTGGCAGTTCCCTACCTCAACTAGCAGCTCCAGACTCTCCAGC[T>C]CTGCTGTTGTGTCCCCCAGTTGCTGATAGAGCCTAGAGGCCTCCAGAAGTGGAGGACCCC-3'
Protein context (NP_004620.1, residues 289-309): LYQQLGDTTA[Glu299Gly]LESLELLVEA